The following is an entry in ClinVar:

ClinVar aggregate classification (germline): Uncertain significance. Review status: criteria provided, multiple submitters, no conflicts (2 of 4 stars). 2 submissions from 2 submitters: Uncertain significance (2). Last evaluated 2025-02-22.

Conditions:
Inborn genetic diseases. Identifiers: MedGen C0950123, MeSH D030342.

Allele frequency attached by ClinVar (database versions not stated): gnomAD 0.00001; TOPMed 0.00003.
gnomAD v4.1: 4 of 1,607,940 alleles (0.00025%); highest among the groups gnomAD compares: African/African-American, 0.0054%; no homozygotes.

Submissions (2):

Ambry Genetics
Classification: Uncertain significance for Inborn genetic diseases. Last evaluated: 2025-02-22. Review status: criteria provided, single submitter. Criteria: Ambry Variant Classification Scheme 2023. Collection method: clinical testing. Allele origin: germline.
Comment: The p.A570V variant (also known as c.1709C>T), located in coding exon 12 of the MIB1 gene, results from a C to T substitution at nucleotide position 1709. The alanine at codon 570 is replaced by valine, an amino acid with similar properties. This amino acid position is conserved. In addition, this alteration is predicted to be deleterious by in silico analysis. Based on the available evidence, the clinical significance of this variant remains unclear.

GeneDx
Classification: Uncertain significance. Last evaluated: 2022-05-11. Review status: criteria provided, single submitter. Criteria: GeneDx Variant Classification Process June 2021. Collection method: clinical testing. Allele origin: germline. Affected: yes.
Comment: Not observed at significant frequency in large population cohorts (gnomAD); In silico analysis supports that this missense variant has a deleterious effect on protein structure/function; Has not been previously published as pathogenic or benign to our knowledge

NM_020774.4(MIB1):c.1709C>T (p.Ala570Val)

Gene: MIB1 (MIB E3 ubiquitin protein ligase 1; plus strand). Cytogenetic location: 18q11.2.
Variant type: single nucleotide variant.
Coding change: c.1709C>T on transcript NM_020774.4 (MANE Select); coding-DNA position 1709, C replaced by T.
Protein change: p.Ala570Val; replaces alanine 570 with valine.
Molecular consequence: missense variant.
Genome position (GRCh38, 1-based): chr18:21,819,526, C>T. VCF-style: chr18-21819526-C-T. GRCh37 (hg19) VCF-style: chr18-19399487-C-T.
Other names: c.1709C>T (NM_020774.2); short protein forms A570V.
Identifiers: ClinVar variation 1723610 (VCV001723610.3), dbSNP rs983246066, ClinGen allele CA297004658.